The following is an entry in ClinVar:

ClinVar aggregate classification (germline): Benign. Review status: reviewed by expert panel (3 of 4 stars). 2 submissions from 2 submitters: Benign (1). 1 of the submissions does not count toward it. Last evaluated 2015-01-12.

Conditions:
Breast-ovarian cancer, familial, susceptibility to, 2 (BROVCA2). Also called: BRCA2 Hereditary Breast and Ovarian Cancer. Identifiers: Orphanet 145, MedGen C2675520, MONDO:0012933, OMIM 612555. Disease mechanism: loss of function.

Allele frequency attached by ClinVar (database versions not stated): 1000 Genomes Project 30x 0.97299; 1000 Genomes Project 0.97384; TOPMed 0.97586; gnomAD 0.97681 and 0.97833.
gnomAD v4.1: 148,769 of 152,030 alleles (98%); highest among the groups gnomAD compares: East Asian, 100%; 72,876 homozygotes.

Submissions (2):

Evidence-based Network for the Interpretation of Germline Mutant Alleles (ENIGMA)
Classification: Benign for Breast-ovarian cancer, familial 2. Last evaluated: 2015-01-12. Review status: reviewed by expert panel. Criteria: ENIGMA BRCA1/2 Classification Criteria (2015). Collection method: curation. Allele origin: germline.
Comment: Class 1 not pathogenic based on frequency >1% in an outbred sampleset. Frequency 0.8801 (African), derived from 1000 genomes (2012-04-30).

Breakthrough Genomics
Classification: Benign. Review status: criteria provided, single submitter. Criteria: ACMG Guidelines, 2015. Collection method: not provided. Allele origin: germline. Inheritance: Autosomal recessive inheritance. Affected: yes. Not counted in ClinVar's aggregate classification.

NM_000059.4(BRCA2):c.426-360C>T

Gene: BRCA2 (BRCA2 DNA repair associated; plus strand). Cytogenetic location: 13q13.1.
Variant type: single nucleotide variant.
Coding change: c.426-360C>T on transcript NM_000059.4 (MANE Select); 360 bases into the intron before coding-DNA position 426, C replaced by T.
Molecular consequence: intron variant.
Genome position (GRCh38, 1-based): chr13:32,325,741, C>T. VCF-style: chr13-32325741-C-T. GRCh37 (hg19) VCF-style: chr13-32899878-C-T.
Other names: IVS 4-360C>T.
Identifiers: ClinVar variation 209935 (VCV000209935.2), dbSNP rs206071, ClinGen allele CA276902.